The following is an entry in ClinVar:

ClinVar aggregate classification (germline): Likely benign. Review status: criteria provided, multiple submitters, no conflicts (2 of 4 stars). 2 submissions from 2 submitters: Likely benign (2). Last evaluated 2024-06-20.

Conditions:
Joubert syndrome. Also called: JOUBERT-BOLTSHAUSER SYNDROME; Familial aplasia of the vermis. Identifiers: Orphanet 475, MedGen C5979921, MONDO:0018772.
Orofaciodigital syndrome I (OFD1). Also called: OFDS I; Papillon-Leage and Psaume Syndrome; Oral-Facial-Digital Syndrome Type I. Identifiers: Orphanet 2750, MedGen C1510460, MONDO:0010702, OMIM 311200.

gnomAD v4.1: 6 of 1,208,654 alleles (0.0005%); highest among the groups gnomAD compares: Non-Finnish European, 0.00067%; no homozygotes.

Submissions (2):

Labcorp Genetics (formerly Invitae), Labcorp
Classification: Likely benign for Orofaciodigital syndrome I; Joubert syndrome. Last evaluated: 2024-06-20. Review status: criteria provided, single submitter. Criteria: Invitae Variant Classification Sherloc (09022015). Collection method: clinical testing. Allele origin: germline.

CeGaT Center for Human Genetics Tuebingen
Classification: Likely benign. Last evaluated: 2022-11-01. Review status: criteria provided, single submitter. Criteria: CeGaT Center For Human Genetics Tuebingen Variant Classification Criteria Version 2. Collection method: clinical testing. Allele origin: germline. Affected: yes. Observed: 1 variant allele.
Comment: OFD1: PM2:Supporting, BP4, BP7

NM_003611.3(OFD1):c.1425G>T (p.Pro475=)

Gene: OFD1 (OFD1 centriole and centriolar satellite protein; plus strand). Cytogenetic location: Xp22.2.
Variant type: single nucleotide variant.
Coding change: c.1425G>T on transcript NM_003611.3 (MANE Select); coding-DNA position 1425, G replaced by T.
Protein change: p.Pro475=; no amino-acid change (proline 475 retained).
Molecular consequence: synonymous variant.
Genome position (GRCh38, 1-based): chrX:13,757,673, G>T. VCF-style: chrX-13757673-G-T. GRCh37 (hg19) VCF-style: chrX-13775792-G-T.
Other names: c.1305G>T, p.Pro435= (NM_001330209.2); c.1005G>T, p.Pro335= (NM_001330210.2).
Identifiers: ClinVar variation 2660031 (VCV002660031.26), dbSNP rs751559997, ClinGen allele CA515465811.